The following is an entry in ClinVar:

ClinVar aggregate classification (germline): Uncertain significance (1 of 4 stars; one submission).

Conditions:
Systemic lupus erythematosus 18. Identifiers: MedGen C6065960, MONDO:1060185, OMIM 621369.

Submission:

Clinical Genomics Laboratory, Washington University in St. Louis
Classification: Uncertain significance for Systemic lupus erythematosus 18. Last evaluated: 2026-03-27. Review status: criteria provided, single submitter. Criteria: ACMG Guidelines, 2015. Collection method: clinical testing. Allele origin: germline.
Comment: The PLD4 c.878_879delinsTT (p.His293Leu) variant, to our knowledge, has not been reported in the medical literature. This variant is absent from the general population (gnomAD v.2.1.1), indicating it is not a common variant. Computational predictors suggest that the variant does not impact PLD4 function. Due to limited information, the clinical significance of this variant is uncertain.

NM_138790.5(PLD4):c.878_879delinsTT (p.His293Leu)

Gene: PLD4 (phospholipase D family member 4; plus strand). Cytogenetic location: 14q32.33.
Variant type: Indel.
Coding change: c.878_879delinsTT on transcript NM_138790.5 (MANE Select); coding-DNA positions 878 to 879, AC replaced by TT.
Protein change: p.His293Leu; replaces histidine 293 with leucine.
Molecular consequence: missense variant.
Genome position (GRCh38, 1-based): chr14:104,930,902-104,930,903, AC replaced by TT. VCF-style: chr14-104930902-AC-TT. GRCh37 (hg19) VCF-style: chr14-105397239-AC-TT.
Other names: c.899_900delinsTT, p.His300Leu (NM_001308174.2); short protein forms H293L, H300L.
Identifiers: ClinVar variation 4879264 (VCV004879264.1).